The following is an entry in ClinVar:

NM_017667.4(VPS50):c.1723C>T (p.Gln575Ter)

Gene: VPS50 (VPS50 subunit of EARP/GARPII complex; plus strand). Cytogenetic location: 7q21.3.
Variant type: single nucleotide variant.
Coding change: c.1723C>T on transcript NM_017667.4 (MANE Select); coding-DNA position 1723, C replaced by T.
Protein change: p.Gln575Ter; replaces glutamine 575 with a stop codon.
Molecular consequence: nonsense.
Genome position (GRCh38, 1-based): chr7:93,308,917, C>T. VCF-style: chr7-93308917-C-T. GRCh37 (hg19) VCF-style: chr7-92938229-C-T.
Other names: c.1633C>T, p.Gln545Ter (NM_001257998.2); short protein forms Q545*, Q575*.
Identifiers: ClinVar variation 3235924 (VCV003235924.1), dbSNP rs2546603981, ClinGen allele CA368218381.

ClinVar aggregate classification (germline): Likely pathogenic (1 of 4 stars; one submission).

Conditions:
Neurodevelopmental disorder with microcephaly, seizures, and neonatal cholestasis. Identifiers: MedGen C5562052, MONDO:0859216, OMIM 619685.

Allele frequency attached by ClinVar (database versions not stated): gnomAD exomes below 0.00001.
gnomAD v4.1: 1 of 1,591,610 alleles (0.000063%); highest among the groups gnomAD compares: African/African-American, 0.0013%; no homozygotes.

Submission:

New York Genome Center
Classification: Likely pathogenic for Neurodevelopmental disorder with microcephaly, seizures, and neonatal cholestasis. Last evaluated: 2022-05-04. Review status: criteria provided, single submitter. Criteria: NYGC Assertion Criteria 2020. Collection method: clinical testing. Allele origin: inherited. Affected: yes. Observed: 1 homozygote. Study: PrenatalSEQ.
Comment: The homozygous stop-gained variant c.1723C>T (p.Gln575Ter) identified in the VPS50 gene has not previously been reported in the literature or public variant repositories (ClinVar and LOVD), and is absent from population databases (gnomAD v2.1.1 and v3.1.2, TOPMed Freeze 8), suggesting it is not a common benign variant in the populations represented in those databases. The c.1723C>T variant in VPS50 is located in exon 19 of this 28-exon gene, predicted to incorporate a premature termination codon (p.Gln575Ter), and is expected to cause loss of normal protein function either through protein truncation or nonsense-mediated mRNA decay. Based on available evidence this homozygous c.1723C>T (p.Gln575Ter) stop-gained variant identified in the VPS50 gene is classified as Likely Pathogenic.